The following is an entry in ClinVar:

ClinVar aggregate classification (germline): Uncertain significance (3 of 4 stars; one submission).

Conditions:
Hereditary antithrombin deficiency (AT3D). Also called: Antithrombin III deficiency; Thrombophilia due to antithrombin III deficiency; Reduced antithrombin III activity; Antithrombin deficiency. Identifiers: Orphanet 82, MedGen C0272375, MONDO:0013144, OMIM 613118, HP:0001976.

Submission:

Clingen Thrombosis Variant Curation Expert Panel, ClinGen
Classification: Uncertain significance for Hereditary antithrombin deficiency. Last evaluated: 2024-02-19. Review status: reviewed by expert panel. Criteria: ClinGen ACMG Specifications SERPINC1 V1.0.0. Collection method: curation. Allele origin: germline. Inheritance: Autosomal dominant inheritance.
Comment: The c.1313G>T (NM_000488.3) variant in SERPINC1 is a missense variant predicted to cause substitution of arginine by methionine at amino acid 438 (p.Arg438Met). The variant is absent from gnomAD v2.1.1, v3.1, v4.0.0 with good coverage across both genomes and exomes, meeting criteria for PM2_supporting. The computational predictor REVEL gives a score of 0.82, which is above the threshold of >0.6 and provides evidence that correlates with impact to SERPINC1 function, meeting criteria for PP3. In summary, based on the evidence available at this time, the clinical significance of this variant is uncertain. ACMG/AMP criteria applied, as specified by the Thrombosis Variant Curation Expert Panel for AT Deficiency for SERPINC1: PP3, PM2_Supporting.

NM_000488.4(SERPINC1):c.1313G>T (p.Arg438Met)

Gene: SERPINC1 (serpin family C member 1; minus strand). Cytogenetic location: 1q25.1.
Variant type: single nucleotide variant.
Coding change: c.1313G>T on transcript NM_000488.4 (MANE Select); coding-DNA position 1313, G replaced by T.
Protein change: p.Arg438Met; replaces arginine 438 with methionine.
Molecular consequence: missense variant.
Genome position (GRCh38, 1-based): chr1:173,903,971, C>A on the plus strand (G>T on the coding strand, the complement: SERPINC1 is on the minus strand). VCF-style: chr1-173903971-C-A. GRCh37 (hg19) VCF-style: chr1-173873109-C-A.
Other names: NM_001386306.1:c.1097G>T; c.1169G>T, p.Arg390Met (NM_001365052.2); c.1436G>T, p.Arg479Met (NM_001386302.1); c.1394G>T, p.Arg465Met (NM_001386303.1); c.1292G>T, p.Arg431Met (NM_001386304.1); c.1256G>T, p.Arg419Met (NM_001386305.1); c.1097G>T, p.Arg366Met (NM_001386306.1); short protein forms R366M, R390M, R419M, R431M, R438M, R465M, R479M.
Identifiers: ClinVar variation 3242372 (VCV003242372.1), dbSNP rs2526542694.